The following is an entry in ClinVar:

NM_001384732.1(CPLANE1):c.9141C>A (p.Ser3047Arg)

Gene: CPLANE1 (ciliogenesis and planar polarity effector complex subunit 1; minus strand). Cytogenetic location: 5p13.2.
Variant type: single nucleotide variant.
Coding change: c.9141C>A on transcript NM_001384732.1 (MANE Select); coding-DNA position 9141, C replaced by A.
Protein change: p.Ser3047Arg; replaces serine 3047 with arginine.
Molecular consequence: missense variant.
Genome position (GRCh38, 1-based): chr5:37,121,661, G>T on the plus strand (C>A on the coding strand, the complement: CPLANE1 is on the minus strand). VCF-style: chr5-37121661-G-T. GRCh37 (hg19) VCF-style: chr5-37121763-G-T.
Other names: c.8979C>A, p.Ser2993Arg (NM_023073.4); short protein forms S2993R, S3047R.
Identifiers: ClinVar variation 2007709 (VCV002007709.4), dbSNP rs1298825292, ClinGen allele CA359495262.

ClinVar aggregate classification (germline): Uncertain significance (1 of 4 stars; one submission).

Submission:

Labcorp Genetics (formerly Invitae), Labcorp
Classification: Uncertain significance. Last evaluated: 2022-06-17. Review status: criteria provided, single submitter. Criteria: Invitae Variant Classification Sherloc (09022015). Collection method: clinical testing. Allele origin: germline.
Comment: In summary, the available evidence is currently insufficient to determine the role of this variant in disease. Therefore, it has been classified as a Variant of Uncertain Significance. Advanced modeling of protein sequence and biophysical properties (such as structural, functional, and spatial information, amino acid conservation, physicochemical variation, residue mobility, and thermodynamic stability) performed at Invitae indicates that this missense variant is not expected to disrupt CPLANE1 protein function. This variant has not been reported in the literature in individuals affected with CPLANE1-related conditions. This variant is present in population databases (no rsID available, gnomAD 0.0009%). This sequence change replaces serine, which is neutral and polar, with arginine, which is basic and polar, at codon 2993 of the CPLANE1 protein (p.Ser2993Arg).